The following is an entry in ClinVar:

NM_000350.3(ABCA4):c.5510C>T (p.Pro1837Leu)

Gene: ABCA4 (ATP binding cassette subfamily A member 4; minus strand). Cytogenetic location: 1p22.1.
Variant type: single nucleotide variant.
Coding change: c.5510C>T on transcript NM_000350.3 (MANE Select); coding-DNA position 5510, C replaced by T.
Protein change: p.Pro1837Leu; replaces proline 1837 with leucine.
Molecular consequence: missense variant.
Genome position (GRCh38, 1-based): chr1:94,011,336, G>A on the plus strand (C>T on the coding strand, the complement: ABCA4 is on the minus strand). VCF-style: chr1-94011336-G-A. GRCh37 (hg19) VCF-style: chr1-94476892-G-A.
Other names: c.5288C>T, p.Pro1763Leu (NM_001425324.1); short protein forms P1837L, P1763L.
Identifiers: ClinVar variation 806160 (VCV000806160.46), dbSNP rs1571250077, ClinGen allele CA341281109.

ClinVar aggregate classification (germline): Conflicting classifications of pathogenicity. Review status: criteria provided, conflicting classifications (1 of 4 stars). 2 submissions from 2 submitters: Likely pathogenic (1); Uncertain significance (1). Last evaluated 2022-07-15.

Submissions (2):

Labcorp Genetics (formerly Invitae), Labcorp
Classification: Likely pathogenic. Last evaluated: 2022-07-15. Review status: criteria provided, single submitter. Criteria: Invitae Variant Classification Sherloc (09022015). Collection method: clinical testing. Allele origin: germline.
Comment: This variant is not present in population databases (gnomAD no frequency). This variant has not been reported in the literature in individuals affected with ABCA4-related conditions. ClinVar contains an entry for this variant (Variation ID: 806160). Advanced modeling of protein sequence and biophysical properties (such as structural, functional, and spatial information, amino acid conservation, physicochemical variation, residue mobility, and thermodynamic stability) performed at Invitae indicates that this missense variant is expected to disrupt ABCA4 protein function. This variant disrupts the p.Pro1837 amino acid residue in ABCA4. Other variant(s) that disrupt this residue have been determined to be pathogenic (PMID: 31212395, 33988224). This suggests that this residue is clinically significant, and that variants that disrupt this residue are likely to be disease-causing. In summary, the currently available evidence indicates that the variant is pathogenic, but additional data are needed to prove that conclusively. Therefore, this variant has been classified as Likely Pathogenic. This sequence change replaces proline, which is neutral and non-polar, with leucine, which is neutral and non-polar, at codon 1837 of the ABCA4 protein (p.Pro1837Leu).

CeGaT Center for Human Genetics Tuebingen
Classification: Uncertain significance. Last evaluated: 2016-11-01. Review status: criteria provided, single submitter. Criteria: CeGaT Center For Human Genetics Tuebingen Variant Classification Criteria Version 2. Collection method: clinical testing. Allele origin: germline. Affected: yes. Observed: 1 variant allele.

Literature cited by the submitters: PubMed 31212395 (cited by Labcorp Genetics (formerly Invitae), Labcorp); PubMed 33988224 (cited by Labcorp Genetics (formerly Invitae), Labcorp).